The following is an entry in ClinVar:

ClinVar aggregate classification (germline): Uncertain significance. Review status: criteria provided, multiple submitters, no conflicts (2 of 4 stars). 4 submissions from 4 submitters: Uncertain significance (4). Last evaluated 2025-06-18.

Conditions:
Charcot-Marie-Tooth disease axonal type 2P. Also called: CHARCOT-MARIE-TOOTH NEUROPATHY, TYPE 2P; Charcot-Marie-Tooth Neuropathy Type 2G; CHARCOT-MARIE-TOOTH DISEASE, AXONAL, TYPE 2G; CMT 2G. Identifiers: Orphanet 300319, Orphanet 99941, MedGen C3280797, MONDO:0013753, OMIM 614436.
Inborn genetic diseases. Identifiers: MedGen C0950123, MeSH D030342.

Allele frequency attached by ClinVar (database versions not stated): ExAC 0.00001; gnomAD 0.00002; TOPMed 0.00002; ESP Exome Variant Server 0.00008.
gnomAD v4.1: 95 of 1,613,934 alleles (0.0059%); highest among the groups gnomAD compares: Non-Finnish European, 0.0071%; 1 homozygote.

Submissions (4):

Ambry Genetics
Classification: Uncertain significance for Inborn genetic diseases. Last evaluated: 2025-06-18. Review status: criteria provided, single submitter. Criteria: Ambry Variant Classification Scheme 2023. Collection method: clinical testing. Allele origin: germline.

Labcorp Genetics (formerly Invitae), Labcorp
Classification: Uncertain significance for Charcot-Marie-Tooth disease axonal type 2P. Last evaluated: 2023-12-24. Review status: criteria provided, single submitter. Criteria: Invitae Variant Classification Sherloc (09022015). Collection method: clinical testing. Allele origin: germline.
Comment: This sequence change replaces alanine, which is neutral and non-polar, with threonine, which is neutral and polar, at codon 388 of the LRSAM1 protein (p.Ala388Thr). This variant is present in population databases (rs138715791, gnomAD 0.007%). This variant has not been reported in the literature in individuals affected with LRSAM1-related conditions. ClinVar contains an entry for this variant (Variation ID: 655371). An algorithm developed to predict the effect of missense changes on protein structure and function (PolyPhen-2) suggests that this variant is likely to be disruptive. In summary, the available evidence is currently insufficient to determine the role of this variant in disease. Therefore, it has been classified as a Variant of Uncertain Significance.

Blueprint Genetics
Classification: Uncertain significance. Last evaluated: 2023-06-06. Review status: criteria provided, single submitter. Criteria: ACMG Guidelines, 2015. Collection method: clinical testing. Allele origin: germline.

Department of Pathology and Laboratory Medicine, Sinai Health System
Classification: Uncertain significance for Charcot-Marie-Tooth disease axonal type 2P. Last evaluated: 2021-07-30. Review status: criteria provided, single submitter. Criteria: ACMG Guidelines, 2015. Collection method: research. Allele origin: germline.

NM_001005373.4(LRSAM1):c.1162G>A (p.Ala388Thr)

Gene: LRSAM1 (leucine rich repeat and sterile alpha motif containing 1; plus strand). Cytogenetic location: 9q33.3.
Variant type: single nucleotide variant.
Coding change: c.1162G>A on transcript NM_001005373.4 (MANE Select); coding-DNA position 1162, G replaced by A.
Protein change: p.Ala388Thr; replaces alanine 388 with threonine.
Molecular consequence: missense variant. On other transcripts: non-coding transcript variant (2).
Genome position (GRCh38, 1-based): chr9:127,485,738, G>A. VCF-style: chr9-127485738-G-A. GRCh37 (hg19) VCF-style: chr9-130248017-G-A.
Other names: c.1162G>A, p.Ala388Thr (NM_001005374.4, NM_001190723.3, NM_001384142.1 and 2 more transcripts); c.373G>A, p.Ala125Thr (NM_001384144.1); c.1162G>A (NM_138361.4); short protein forms A388T, A125T.
Identifiers: ClinVar variation 655371 (VCV000655371.9), dbSNP rs138715791, ClinGen allele CA5246882.